The following is an entry in ClinVar:

NM_006279.5(ST3GAL3):c.451G>T (p.Ala151Ser)

Gene: ST3GAL3 (ST3 beta-galactoside alpha-2,3-sialyltransferase 3; plus strand). Cytogenetic location: 1p34.1.
Variant type: single nucleotide variant.
Coding change: c.451G>T on transcript NM_006279.5 (MANE Select); coding-DNA position 451, G replaced by T.
Protein change: p.Ala151Ser; replaces alanine 151 with serine.
Molecular consequence: missense variant. On other transcripts: non-coding transcript variant (7), intron variant (4).
Genome position (GRCh38, 1-based): chr1:43,898,288, G>T. VCF-style: chr1-43898288-G-T. GRCh37 (hg19) VCF-style: chr1-44363960-G-T.
Other names: c.451G>T, p.Ala151Ser (NM_001270459.2, NM_001350620.2, NM_174966.4); c.358G>T, p.Ala120Ser (NM_001270460.2); c.403G>T, p.Ala135Ser (NM_001270461.3, NM_001270464.3, NM_174969.4); c.310G>T, p.Ala104Ser (NM_001270462.3); c.448G>T, p.Ala150Ser (NM_001270463.3, NM_001270465.3); c.496G>T, p.Ala166Ser (NM_001350619.2, NM_174964.4); c.172G>T, p.Ala58Ser (NM_001350621.2); c.613G>T, p.Ala205Ser (NM_001363573.2, NM_174968.5); and 6 more; short protein forms A151S, A166S, A205S, A135S, A189S, A220S, A104S, A120S.
Identifiers: ClinVar variation 963538 (VCV000963538.10), dbSNP rs2077687448, ClinGen allele CA340269877.

ClinVar aggregate classification (germline): Uncertain significance (1 of 4 stars; one submission).

Conditions:
Early-infantile DEE. Also called: Ohtahara syndrome; Early infantile epileptic encephalopathy with suppression bursts; Early infantile epileptic encephalopathy. Identifiers: Orphanet 1934, MedGen C0393706, MONDO:0800491.

Submission:

Labcorp Genetics (formerly Invitae), Labcorp
Classification: Uncertain significance for Early-infantile DEE. Last evaluated: 2019-07-05. Review status: criteria provided, single submitter. Criteria: Invitae Variant Classification Sherloc (09022015). Collection method: clinical testing. Allele origin: germline.
Comment: This sequence change replaces alanine with serine at codon 151 of the ST3GAL3 protein (p.Ala151Ser). The alanine residue is highly conserved and there is a moderate physicochemical difference between alanine and serine. This variant is not present in population databases (ExAC no frequency). This variant has not been reported in the literature in individuals with ST3GAL3-related conditions. Algorithms developed to predict the effect of missense changes on protein structure and function are either unavailable or do not agree on the potential impact of this missense change (SIFT: "Tolerated"; PolyPhen-2: "Possibly Damaging"; Align-GVGD: "Class C0"). In summary, the available evidence is currently insufficient to determine the role of this variant in disease. Therefore, it has been classified as a Variant of Uncertain Significance.